The following is an entry in ClinVar:

ClinVar aggregate classification (germline): Benign/Likely benign. Review status: criteria provided, multiple submitters, no conflicts (2 of 4 stars). 6 submissions from 6 submitters: Benign (3); Likely benign (3). Last evaluated 2026-02-04.

Conditions:
Joubert syndrome 17 (JBTS17). Identifiers: Orphanet 475, MedGen C3553264, MONDO:0013824, OMIM 614615.

Allele frequency attached by ClinVar (database versions not stated): gnomAD 0.00076 and 0.00120; gnomAD exomes 0.00101 and 0.00268; ExAC 0.00126; TOPMed 0.00147; 1000 Genomes Project 30x 0.00625; 1000 Genomes Project 0.00739.
gnomAD v4.1: 1,603 of 1,547,190 alleles (0.1%); highest among the groups gnomAD compares: East Asian, 3.4%; 30 homozygotes.

Submissions (6):

Labcorp Genetics (formerly Invitae), Labcorp
Classification: Benign. Last evaluated: 2026-02-04. Review status: criteria provided, single submitter. Criteria: Invitae Variant Classification Sherloc (09022015). Collection method: clinical testing. Allele origin: germline.

Illumina Laboratory Services, Illumina
Classification: Likely benign for Joubert syndrome 17. Last evaluated: 2018-01-13. Review status: criteria provided, single submitter. Criteria: ICSL Variant Classification Criteria 13 December 2019. Collection method: clinical testing. Allele origin: germline.
Comment: This variant was observed in the ICSL laboratory as part of a predisposition screen in an ostensibly healthy population. It had not been previously curated by ICSL or reported in the Human Gene Mutation Database (HGMD: prior to June 1st, 2018), and was therefore a candidate for classification through an automated scoring system. Utilizing variant allele frequency, disease prevalence and penetrance estimates, and inheritance mode, an automated score was calculated to assess if this variant is too frequent to cause the disease. Based on the score and internal cut-off values, a variant classified as likely benign is not then subjected to further curation. The score for this variant resulted in a classification of likely benign for this disease.

GeneDx
Classification: Likely benign. Last evaluated: 2017-08-16. Review status: criteria provided, single submitter. Criteria: GeneDx Variant Classification (06012015). Collection method: clinical testing. Allele origin: germline. Affected: yes.
Comment: This variant is considered likely benign or benign based on one or more of the following criteria: it is a conservative change, it occurs at a poorly conserved position in the protein, it is predicted to be benign by multiple in silico algorithms, and/or has population frequency not consistent with disease.

Genetic Services Laboratory, University of Chicago
Classification: Benign. Last evaluated: 2017-07-24. Review status: criteria provided, single submitter. Criteria: ACMG Guidelines, 2015. Collection method: clinical testing. Allele origin: germline. Affected: no.

Breakthrough Genomics
Classification: Likely benign. Review status: criteria provided, single submitter. Criteria: ACMG Guidelines, 2015. Collection method: not provided. Allele origin: germline. Inheritance: Autosomal recessive inheritance. Affected: yes.

PreventionGenetics, part of Exact Sciences
Classification: Benign. Review status: criteria provided, single submitter. Criteria: ACMG Guidelines, 2015. Collection method: clinical testing. Allele origin: germline.

NM_001384732.1(CPLANE1):c.1883G>A (p.Arg628Lys)

Gene: CPLANE1 (ciliogenesis and planar polarity effector complex subunit 1; minus strand). Cytogenetic location: 5p13.2.
Variant type: single nucleotide variant.
Coding change: c.1883G>A on transcript NM_001384732.1 (MANE Select); coding-DNA position 1883, G replaced by A.
Protein change: p.Arg628Lys; replaces arginine 628 with lysine.
Molecular consequence: missense variant.
Genome position (GRCh38, 1-based): chr5:37,226,712, C>T on the plus strand (G>A on the coding strand, the complement: CPLANE1 is on the minus strand). VCF-style: chr5-37226712-C-T. GRCh37 (hg19) VCF-style: chr5-37226814-C-T.
Other names: c.1883G>A, p.Arg628Lys (NM_023073.4); short protein forms R628K.
Identifiers: ClinVar variation 158029 (VCV000158029.22), dbSNP rs74975451, ClinGen allele CA171424.